The following is an entry in ClinVar:

ClinVar aggregate classification (germline): Likely pathogenic (1 of 4 stars; one submission).

Submission:

Labcorp Genetics (formerly Invitae), Labcorp
Classification: Likely pathogenic. Last evaluated: 2022-10-26. Review status: criteria provided, single submitter. Criteria: Invitae Variant Classification Sherloc (09022015). Collection method: clinical testing. Allele origin: germline.
Comment: In summary, the currently available evidence indicates that the variant is pathogenic, but additional data are needed to prove that conclusively. Therefore, this variant has been classified as Likely Pathogenic. This variant disrupts the triple helix domain of COL2A1. Glycine residues within the Gly-Xaa-Yaa repeats of the triple helix domain are required for the structure and stability of fibrillar collagens (PMID: 7695699, 8218237, 19344236). In COL2A1, variants affecting these glycine residues are significantly enriched in individuals with disease (PMID: 9016532, 17078022) compared to the general population (ExAC). Advanced modeling of protein sequence and biophysical properties (such as structural, functional, and spatial information, amino acid conservation, physicochemical variation, residue mobility, and thermodynamic stability) performed at Invitae indicates that this missense variant is expected to disrupt COL2A1 protein function. This variant has not been reported in the literature in individuals affected with COL2A1-related conditions. This variant is not present in population databases (gnomAD no frequency). This sequence change replaces glycine, which is neutral and non-polar, with alanine, which is neutral and non-polar, at codon 1170 of the COL2A1 protein (p.Gly1170Ala).

Literature cited by the submitters: PubMed 7695699; PubMed 8218237; PubMed 19344236; PubMed 9016532; PubMed 17078022.

NM_001844.5(COL2A1):c.3509G>C (p.Gly1170Ala)

Gene: COL2A1 (collagen type II alpha 1 chain; minus strand). Cytogenetic location: 12q13.11.
Variant type: single nucleotide variant.
Coding change: c.3509G>C on transcript NM_001844.5 (MANE Select); coding-DNA position 3509, G replaced by C.
Protein change: p.Gly1170Ala; replaces glycine 1170 with alanine.
Molecular consequence: missense variant.
Genome position (GRCh38, 1-based): chr12:47,976,051, C>G on the plus strand (G>C on the coding strand, the complement: COL2A1 is on the minus strand). VCF-style: chr12-47976051-C-G. GRCh37 (hg19) VCF-style: chr12-48369834-C-G.
Other names: c.3302G>C, p.Gly1101Ala (NM_033150.3); short protein forms G1170A, G1101A.
Identifiers: ClinVar variation 2809796 (VCV002809796.3), dbSNP rs2540102657, ClinGen allele CA384537423.
Genomic context (GRCh38, chr12:47,976,051, plus strand): 5'-CGGGGACCAGGAGGCCCAATGGGGCCAGGGATTCCATTAGCACCATCTTTGCCAGAGGGA[C>G]CGACGGGGCCAGGAGGACCCTGCAAGAGAGAGAGGTCGTGAGGAAAGAGTGGTCACCACA-3'
Protein context (NP_001835.3, residues 1160-1180): SGPRGPPGPV[Gly1170Ala]PSGKDGANGI